The following is an entry in ClinVar:

NM_033028.5(BBS4):c.20C>T (p.Ala7Val)

Gene: BBS4 (Bardet-Biedl syndrome 4; plus strand). Cytogenetic location: 15q24.1.
Variant type: single nucleotide variant.
Coding change: c.20C>T on transcript NM_033028.5 (MANE Select); coding-DNA position 20, C replaced by T.
Protein change: p.Ala7Val; replaces alanine 7 with valine.
Molecular consequence: missense variant. On other transcripts: 5 prime UTR variant (1), non-coding transcript variant (2).
Genome position (GRCh38, 1-based): chr15:72,686,247, C>T. VCF-style: chr15-72686247-C-T. GRCh37 (hg19) VCF-style: chr15-72978588-C-T.
Other names: c.20C/T; c.-450C>T (NM_001252678.2); c.20C>T, p.Ala7Val (NM_001320665.2); c.20C>T (NM_033028.4); short protein forms A7V.
Identifiers: ClinVar variation 21738 (VCV000021738.4), dbSNP rs113994186, ClinGen allele CA342432.

ClinVar aggregate classification (germline): Conflicting classifications of pathogenicity. Review status: no assertion criteria provided (0 of 4 stars). 2 submissions from 2 submitters: Uncertain significance (1); Benign (1). Last evaluated 2023-10-18.

Conditions:
BBS4-related disorder. Also called: BBS4-related condition.
Bardet-Biedl syndrome (BBS). Identifiers: Orphanet 110, MedGen C0752166, MONDO:0015229.

Allele frequency attached by ClinVar (database versions not stated): gnomAD 0.00001; gnomAD exomes 0.00001.
gnomAD v4.1: 6 of 1,564,956 alleles (0.00038%); highest among the groups gnomAD compares: African/African-American, 0.0041%; no homozygotes.

Submissions (2):

PreventionGenetics, part of Exact Sciences
Classification: Uncertain significance for BBS4-related condition. Last evaluated: 2023-10-18. Review status: no assertion criteria provided. Collection method: clinical testing. Allele origin: germline.
Comment: The BBS4 c.20C>T variant is predicted to result in the amino acid substitution p.Ala7Val. To our knowledge, this variant has not been reported in the literature. This variant is reported in 0.0037% of alleles in individuals of Latino descent in gnomAD. At this time, the clinical significance of this variant is uncertain due to the absence of conclusive functional and genetic evidence.

GeneReviews
Classification: Benign for Bardet-Biedl Syndrome. Last evaluated: 2009-10-13. Review status: no assertion criteria provided. Collection method: curation. Allele origin: unknown.
ClinVar note: Converted during submission from benign to Benign.